The following is an entry in ClinVar:

ClinVar aggregate classification (germline): Uncertain significance. Review status: criteria provided, multiple submitters, no conflicts (2 of 4 stars). 2 submissions from 2 submitters: Uncertain significance (2). Last evaluated 2026-07-20.

Conditions:
Hereditary cancer-predisposing syndrome. Also called: Neoplastic Syndromes, Hereditary; Tumor predisposition; Hereditary Cancer Syndrome; Hereditary neoplastic syndrome. Identifiers: Orphanet 140162, MedGen C0027672, MeSH D009386, MONDO:0015356.

Submissions (2):

Ambry Genetics
Classification: Uncertain significance for Hereditary cancer-predisposing syndrome. Last evaluated: 2026-07-20. Review status: criteria provided, single submitter. Criteria: Ambry Variant Classification Scheme 2023. Collection method: clinical testing. Allele origin: germline.
Comment: The p.Q1764R variant (also known as c.5291A>G), located in coding exon 15 of the APC gene, results from an A to G substitution at nucleotide position 5291. The glutamine at codon 1764 is replaced by arginine, an amino acid with highly similar properties. This amino acid position is conserved. In addition, in silico predictors for this gene do not accurately predict pathogenicity. Based on the available evidence, the clinical significance of this variant remains unclear.

GeneDx
Classification: Uncertain significance. Last evaluated: 2020-11-11. Review status: criteria provided, single submitter. Criteria: GeneDx Variant Classification Process June 2021. Collection method: clinical testing. Allele origin: germline. Affected: yes.
Comment: Not observed in large population cohorts (Lek et al., 2016); In silico analysis supports that this missense variant does not alter protein structure/function; Has not been previously published as pathogenic or benign to our knowledge

NM_000038.6(APC):c.5291A>G (p.Gln1764Arg)

Gene: APC (APC regulator of Wnt signaling pathway; plus strand). Cytogenetic location: 5q22.2.
Variant type: single nucleotide variant.
Coding change: c.5291A>G on transcript NM_000038.6 (MANE Select); coding-DNA position 5291, A replaced by G.
Protein change: p.Gln1764Arg; replaces glutamine 1764 with arginine.
Molecular consequence: missense variant.
Genome position (GRCh38, 1-based): chr5:112,840,885, A>G. VCF-style: chr5-112840885-A-G. GRCh37 (hg19) VCF-style: chr5-112176582-A-G.
Other names: c.5291A>G, p.Gln1764Arg (NM_001354895.2, NM_001127510.3); c.5345A>G, p.Gln1782Arg (NM_001354896.2); c.5321A>G, p.Gln1774Arg (NM_001354897.2); c.5216A>G, p.Gln1739Arg (NM_001354898.2); c.5207A>G, p.Gln1736Arg (NM_001354899.2); c.5168A>G, p.Gln1723Arg (NM_001354900.2); c.5114A>G, p.Gln1705Arg (NM_001354901.2); c.5018A>G, p.Gln1673Arg (NM_001354902.2); and 5 more; short protein forms Q1481R, Q1604R, Q1638R, Q1663R, Q1673R, Q1705R, Q1723R, Q1736R.
Identifiers: ClinVar variation 1317490 (VCV001317490.3), dbSNP rs2149936706, ClinGen allele CA16032897.